The following is an entry in ClinVar:

NM_016955.4(SEPSECS):c.*3775A>G

Gene: SEPSECS (Sep (O-phosphoserine) tRNA:Sec (selenocysteine) tRNA synthase; minus strand). Cytogenetic location: 4p15.2.
Variant type: single nucleotide variant.
Coding change: c.*3775A>G on transcript NM_016955.4 (MANE Select); 3775 bases downstream of the stop codon, A replaced by G.
Molecular consequence: 3 prime UTR variant.
Genome position (GRCh38, 1-based): chr4:25,120,156, T>C on the plus strand (A>G on the coding strand, the complement: SEPSECS is on the minus strand). VCF-style: chr4-25120156-T-C. GRCh37 (hg19) VCF-style: chr4-25121778-T-C.
Identifiers: ClinVar variation 348513 (VCV000348513.5), dbSNP rs115004931, ClinGen allele CA10620772.

ClinVar aggregate classification (germline): Benign (1 of 4 stars; one submission).

Conditions:
Pontocerebellar hypoplasia type 2D (PCH2D). Also called: Progressive cerebello-cerebral atrophy. Identifiers: Orphanet 247198, Orphanet 2524, MedGen C3151140, MONDO:0013438, OMIM 613811.

Allele frequency attached by ClinVar (database versions not stated): gnomAD 0.00624 and 0.00670; TOPMed 0.00690; 1000 Genomes Project 0.00739; 1000 Genomes Project 30x 0.00812.

Submission:

Illumina Laboratory Services, Illumina
Classification: Benign for Pontocerebellar hypoplasia type 2D. Last evaluated: 2018-01-12. Review status: criteria provided, single submitter. Criteria: ICSL Variant Classification Criteria 13 December 2019. Collection method: clinical testing. Allele origin: germline.
Comment: This variant was observed in the ICSL laboratory as part of a predisposition screen in an ostensibly healthy population. It had not been previously curated by ICSL or reported in the Human Gene Mutation Database (HGMD: prior to June 1st, 2018), and was therefore a candidate for classification through an automated scoring system. Utilizing variant allele frequency, disease prevalence and penetrance estimates, and inheritance mode, an automated score was calculated to assess if this variant is too frequent to cause the disease. Based on the score and internal cut-off values, a variant classified as benign is not then subjected to further curation. The score for this variant resulted in a classification of benign for this disease.